The following is an entry in ClinVar:

ClinVar aggregate classification (germline): Uncertain significance (1 of 4 stars; one submission).

Conditions:
Hereditary spastic paraplegia 39 (SPG39). Also called: SPASTIC PARAPLEGIA 39, AUTOSOMAL RECESSIVE; Spastic Paraplegia Type 39 (SPG39). Identifiers: Orphanet 139480, MedGen C2677586, MONDO:0012787, OMIM 612020.

Allele frequency attached by ClinVar (database versions not stated): gnomAD exomes below 0.00001; TOPMed 0.00002; gnomAD 0.00003.
gnomAD v4.1: 6 of 1,613,016 alleles (0.00037%); highest among the groups gnomAD compares: African/African-American, 0.0067%; no homozygotes.

Submission:

Labcorp Genetics (formerly Invitae), Labcorp
Classification: Uncertain significance for Hereditary spastic paraplegia 39. Last evaluated: 2024-09-03. Review status: criteria provided, single submitter. Criteria: Invitae Variant Classification Sherloc (09022015). Collection method: clinical testing. Allele origin: germline.
Comment: This sequence change replaces glycine, which is neutral and non-polar, with alanine, which is neutral and non-polar, at codon 633 of the PNPLA6 protein (p.Gly633Ala). This variant is present in population databases (no rsID available, gnomAD 0.03%). This variant has not been reported in the literature in individuals affected with PNPLA6-related conditions. ClinVar contains an entry for this variant (Variation ID: 2039379). Invitae Evidence Modeling of protein sequence and biophysical properties (such as structural, functional, and spatial information, amino acid conservation, physicochemical variation, residue mobility, and thermodynamic stability) has been performed for this missense variant. However, the output from this modeling did not meet the statistical confidence thresholds required to predict the impact of this variant on PNPLA6 protein function. In summary, the available evidence is currently insufficient to determine the role of this variant in disease. Therefore, it has been classified as a Variant of Uncertain Significance.

NM_001166114.2(PNPLA6):c.2015G>C (p.Gly672Ala)

Gene: PNPLA6 (patatin like domain 6, lysophospholipase; plus strand). Cytogenetic location: 19p13.2.
Variant type: single nucleotide variant.
Coding change: c.2015G>C on transcript NM_001166114.2 (MANE Select); coding-DNA position 2015, G replaced by C.
Protein change: p.Gly672Ala; replaces glycine 672 with alanine.
Molecular consequence: missense variant.
Genome position (GRCh38, 1-based): chr19:7,550,585, G>C. VCF-style: chr19-7550585-G-C. GRCh37 (hg19) VCF-style: chr19-7615471-G-C.
Other names: c.2042G>C, p.Gly681Ala (NM_001166111.2); c.1820G>C, p.Gly607Ala (NM_001166112.2); c.1898G>C, p.Gly633Ala (NM_001166113.1, NM_006702.5); short protein forms G681A, G633A, G672A, G607A.
Identifiers: ClinVar variation 2039379 (VCV002039379.3), dbSNP rs986569956, ClinGen allele CA304875042.